The following is an entry in ClinVar:

NM_000292.3(PHKA2):c.2509_2510insATGTATAAATATGTAACTAACCTGCACAATGTGCACATGTACCCTAAAACTTATATTATAATAAAAAAAAAAAAAAAAAAATAACAATAAAATGAGATAAANNNNNNNNNNAAAAAAAAAAAAAAAAAAAAGAAAGTGGAGGTCC (p.Leu837delinsHisValTer)

Gene: PHKA2 (phosphorylase kinase regulatory subunit alpha 2; minus strand). Cytogenetic location: Xp22.13.
Variant type: Insertion.
Coding change: c.2509_2510insATGTATAAATATGTAACTAACCTGCACAATGTGCACATGTACCCTAAAACTTATATTATAATAAAAAAAAAAAAAAAAAAATAACAATAAAATGAGATAAANNNNNNNNNNAAAAAAAAAAAAAAAAAAAAGAAAGTGGAGGTCC on transcript NM_000292.3 (MANE Select); coding-DNA positions 2509 to 2510, ATGTATAAATATGTAACTAACCTGCACAATGTGCACATGTACCCTAAAACTTATATTATAATAAAAAAAAAAAAAAAAAAATAACAATAAAATGAGATAAANNNNNNNNNNAAAAAAAAAAAAAAAAAAAAGAAAGTGGAGGTCC inserted.
Protein change: p.Leu837delinsHisValTer.
Molecular consequence: nonsense.
Genome position: GRCh38: chrX:18,907,923-18,907,924. GRCh37 (hg19): chrX:18,926,041-18,926,042.
Identifiers: ClinVar variation 1459330 (VCV001459330.6), dbSNP rs2147859144.

ClinVar aggregate classification (germline): Pathogenic (1 of 4 stars; one submission).

Conditions:
Glycogen storage disease IXa1. Also called: LIVER GLYCOGENOSIS, X-LINKED, TYPE I; GLYCOGEN STORAGE DISEASE VIII; GSD VIII; Glycogen storage disease 8. Identifiers: Orphanet 264580, MedGen C3694531, MONDO:0010598, OMIM 306000.

Submission:

Labcorp Genetics (formerly Invitae), Labcorp
Classification: Pathogenic for Glycogen storage disease IXa1. Last evaluated: 2021-01-27. Review status: criteria provided, single submitter. Criteria: Invitae Variant Classification Sherloc (09022015). Collection method: clinical testing. Allele origin: germline.
Comment: This sequence change inserts a large fragment of DNA, likely a transposable element, in exon 22 of the PHKA2 gene (c.2509_2510ins?), causing a frameshift at codon 837 (p.Leu837fs). The exact size and sequence of the insertion cannot be determined by the current assay. However, the insertion is expected to result in an absent or disrupted protein product. For these reasons, this variant has been classified as Pathogenic. Retrotransposon insertions including LINE1 (L1), Alu, and SVA (SINE-VNTR-Alu) have been reported to be disease-causing through disruption of either a coding region or splice site (PMID: 19763152, 20307669, 22406018) and loss-of-function variants in PHKA2 are known to be pathogenic (PMID: 7711737, 10330341). Algorithms developed to predict the effect of sequence changes on RNA splicing suggest that this variant may create or strengthen a splice site, but this prediction has not been confirmed by published transcriptional studies. This variant has not been reported in the literature in individuals with PHKA2-related conditions. This variant is not present in population databases (ExAC no frequency).

Literature cited by the submitters: PubMed 19763152; PubMed 20307669; PubMed 22406018; PubMed 7711737; PubMed 10330341.